The following is an entry in ClinVar:

NM_032977.4(CASP10):c.607A>G (p.Lys203Glu)

Gene: CASP10 (caspase 10; plus strand). Cytogenetic location: 2q33.1.
Variant type: single nucleotide variant.
Coding change: c.607A>G on transcript NM_032977.4 (MANE Select); coding-DNA position 607, A replaced by G.
Protein change: p.Lys203Glu; replaces lysine 203 with glutamic acid.
Molecular consequence: missense variant.
Genome position (GRCh38, 1-based): chr2:201,195,871, A>G. VCF-style: chr2-201195871-A-G. GRCh37 (hg19) VCF-style: chr2-202060594-A-G.
Other names: c.607A>G, p.Lys203Glu (NM_001206524.2, NM_001206542.2, NM_001230.5 and 3 more transcripts); short protein forms K203E.
Identifiers: ClinVar variation 2933193 (VCV002933193.3), dbSNP rs754547719, ClinGen allele CA2052927.
Genomic context (GRCh38, chr2:201,195,871, plus strand): 5'-TTTATTTTTCTGTCTGTGATTTTATTTTCAGCTATCCAGATAGTGACACCTCCTGTAGAC[A>G]AGGAAGCCGAGTCGTATCAAGGAGAGGAAGAACTAGTTTCCCAAACAGATGTTAAGACAT-3'
Protein context (NP_116759.2, residues 193-213): AIQIVTPPVD[Lys203Glu]EAESYQGEEE

ClinVar aggregate classification (germline): Uncertain significance (1 of 4 stars; one submission).

Conditions:
Autoimmune lymphoproliferative syndrome type 2A (ALPS2A). Also called: CASP10-Related Autoimmune Lymphoproliferative Syndrome; AUTOIMMUNE LYMPHOPROLIFERATIVE SYNDROME, TYPE IIA; Autoimmune lymphoproliferative syndrome type 2. Identifiers: Orphanet 3261, MedGen C1858968, MONDO:0011383, OMIM 603909.

Allele frequency attached by ClinVar (database versions not stated): gnomAD exomes below 0.00001; ExAC 0.00001.
gnomAD v4.1: 2 of 1,613,806 alleles (0.00012%); highest among the groups gnomAD compares: South Asian, 0.0011%; no homozygotes.

Submission:

Labcorp Genetics (formerly Invitae), Labcorp
Classification: Uncertain significance for Autoimmune lymphoproliferative syndrome type 2A. Last evaluated: 2023-01-17. Review status: criteria provided, single submitter. Criteria: Invitae Variant Classification Sherloc (09022015). Collection method: clinical testing. Allele origin: germline.
Comment: In summary, the available evidence is currently insufficient to determine the role of this variant in disease. Therefore, it has been classified as a Variant of Uncertain Significance. Algorithms developed to predict the effect of missense changes on protein structure and function (SIFT, PolyPhen-2, Align-GVGD) all suggest that this variant is likely to be tolerated. This variant has not been reported in the literature in individuals affected with CASP10-related conditions. This variant is present in population databases (rs754547719, gnomAD 0.0009%). This sequence change replaces lysine, which is basic and polar, with glutamic acid, which is acidic and polar, at codon 203 of the CASP10 protein (p.Lys203Glu).